The following is an entry in ClinVar:

ClinVar aggregate classification (germline): Uncertain significance. Review status: criteria provided, multiple submitters, no conflicts (2 of 4 stars). 6 submissions from 6 submitters: Uncertain significance (6). Last evaluated 2025-07-09.

Conditions:
Primary ciliary dyskinesia. Also called: Ciliary dyskinesia. Identifiers: Orphanet 244, MedGen C0008780, MONDO:0016575, HP:0012265.
Primary ciliary dyskinesia 6. Also called: Primary Ciliary Dyskinesia 6: TXNDC3-Related Primary Ciliary Dyskinesia. Identifiers: Orphanet 244, MedGen C1970506, MONDO:0012571, OMIM 610852.

Allele frequency attached by ClinVar (database versions not stated): gnomAD exomes 0.00003; gnomAD 0.00004; TOPMed 0.00008.
gnomAD v4.1: 47 of 1,613,874 alleles (0.0029%); highest among the groups gnomAD compares: Admixed American, 0.015%; no homozygotes.

Submissions (6):

Labcorp Genetics (formerly Invitae), Labcorp
Classification: Uncertain significance for Primary ciliary dyskinesia 6. Last evaluated: 2025-07-09. Review status: criteria provided, single submitter. Criteria: Invitae Variant Classification Sherloc (09022015). Collection method: clinical testing. Allele origin: germline.
Comment: This sequence change replaces aspartic acid, which is acidic and polar, with tyrosine, which is neutral and polar, at codon 550 of the NME8 protein (p.Asp550Tyr). This variant is present in population databases (rs772853800, gnomAD 0.01%). This variant has not been reported in the literature in individuals affected with NME8-related conditions. ClinVar contains an entry for this variant (Variation ID: 468994). Invitae Evidence Modeling of protein sequence and biophysical properties (such as structural, functional, and spatial information, amino acid conservation, physicochemical variation, residue mobility, and thermodynamic stability) indicates that this missense variant is not expected to disrupt NME8 protein function with a negative predictive value of 80%. In summary, the available evidence is currently insufficient to determine the role of this variant in disease. Therefore, it has been classified as a Variant of Uncertain Significance.

Blueprint Genetics
Classification: Uncertain significance. Last evaluated: 2024-08-06. Review status: criteria provided, single submitter. Criteria: ACMG Guidelines, 2015. Collection method: clinical testing. Allele origin: germline.

Fulgent Genetics
Classification: Uncertain significance for Primary ciliary dyskinesia 6. Last evaluated: 2023-12-27. Review status: criteria provided, single submitter. Criteria: ACMG Guidelines, 2015. Collection method: clinical testing. Allele origin: germline.

Ambry Genetics
Classification: Uncertain significance for Primary ciliary dyskinesia. Last evaluated: 2023-10-31. Review status: criteria provided, single submitter. Criteria: Ambry Variant Classification Scheme 2023. Collection method: clinical testing. Allele origin: germline.
Comment: The p.D550Y variant (also known as c.1648G>T), located in coding exon 15 of the NME8 gene, results from a G to T substitution at nucleotide position 1648. The aspartic acid at codon 550 is replaced by tyrosine, an amino acid with highly dissimilar properties. This amino acid position is conserved. In addition, this alteration is predicted to be tolerated by in silico analysis. Since supporting evidence is limited at this time, the clinical significance of this alteration remains unclear.

Eurofins Ntd Llc (ga)
Classification: Uncertain significance. Last evaluated: 2016-12-19. Review status: criteria provided, single submitter. Criteria: EGL Classification Definitions 2015. Collection method: clinical testing. Allele origin: germline. Observed: 1 variant allele, 1 heterozygote.

Breakthrough Genomics
Classification: Uncertain significance. Review status: criteria provided, single submitter. Criteria: ACMG Guidelines, 2015. Collection method: not provided. Allele origin: germline. Inheritance: Autosomal recessive inheritance. Affected: yes.

NM_016616.5(NME8):c.1648G>T (p.Asp550Tyr)

Gene: NME8 (NME/NM23 family member 8; plus strand). Cytogenetic location: 7p14.1.
Variant type: single nucleotide variant.
Coding change: c.1648G>T on transcript NM_016616.5 (MANE Select); coding-DNA position 1648, G replaced by T.
Protein change: p.Asp550Tyr; replaces aspartic acid 550 with tyrosine.
Molecular consequence: missense variant.
Genome position (GRCh38, 1-based): chr7:37,896,973, G>T. VCF-style: chr7-37896973-G-T. GRCh37 (hg19) VCF-style: chr7-37936575-G-T.
Other names: short protein forms D550Y.
Identifiers: ClinVar variation 468994 (VCV000468994.18), dbSNP rs772853800, ClinGen allele CA157140404.
Genomic context (GRCh38, chr7:37,896,973, plus strand): 5'-GCAGAATGGAGACGATTGATGGGCCCAACAGACCCAGAAGAAGCAAAATTACTTTCCCCT[G>T]ACTCCATCCGAGCCCAGTTTGGAATAAGTAAATTGAAAAACATTGTCCATGGAGCATCTA-3'
Protein context (NP_057700.3, residues 540-560): DPEEAKLLSP[Asp550Tyr]SIRAQFGISK